The following is an entry in ClinVar:

ClinVar aggregate classification (germline): Uncertain significance (1 of 4 stars; one submission).

Conditions:
Autosomal dominant polycystic kidney disease. Identifiers: Orphanet 730, MedGen C0085413, MONDO:0004691.

Submission:

Labcorp Genetics (formerly Invitae), Labcorp
Classification: Uncertain significance for Autosomal dominant polycystic kidney disease. Last evaluated: 2025-07-25. Review status: criteria provided, single submitter. Criteria: Invitae Variant Classification Sherloc (09022015). Collection method: clinical testing. Allele origin: germline.
Comment: This variant, c.1540_1548del, results in the deletion of 3 amino acid(s) of the PKD2 protein (p.Ile514_Val516del), but otherwise preserves the integrity of the reading frame. This variant is not present in population databases (gnomAD no frequency). This variant has been observed in individual(s) with autosomal dominant polycystic kidney disease (PMID: 29633482). Experimental studies and prediction algorithms are not available or were not evaluated, and the functional significance of this variant is currently unknown. In summary, the available evidence is currently insufficient to determine the role of this variant in disease. Therefore, it has been classified as a Variant of Uncertain Significance.

Literature cited by the submitters: PubMed 29633482.

NM_000297.4(PKD2):c.1540_1548del (p.Ile514_Val516del)

Gene: PKD2 (polycystin 2, transient receptor potential cation channel; plus strand). Cytogenetic location: 4q22.1.
Variant type: Deletion.
Coding change: c.1540_1548del on transcript NM_000297.4 (MANE Select); coding-DNA positions 1540 to 1548, 9 bases deleted (ATCGTTGTG; older notation c.1540_1548delATCGTTGTG).
Protein change: p.Ile514_Val516del.
Molecular consequence: inframe deletion. On other transcripts: non-coding transcript variant (1).
Genome position (GRCh38, 1-based): chr4:88,046,862-88,046,870, ATCGTTGTG deleted; deleting any 9 consecutive bases within chr4:88,046,856-88,046,870 gives the same sequence; the c. name uses the placement nearest the transcript's 3' end. VCF-style (leftmost placement, unchanged base first): chr4-88046855-TGTTGTGATC-T. GRCh37 (hg19) VCF-style: chr4-88968007-TGTTGTGATC-T.
Other names: c.1315_1323del, p.Ile439_Val441del (NM_001440544.1).
Identifiers: ClinVar variation 4737584 (VCV004737584.1).